The following is an entry in ClinVar:

NM_016026.4(RDH11):c.154G>A (p.Gly52Ser)

Genes: GPHN (gephyrin; plus strand), RDH11 (retinol dehydrogenase 11; minus strand). Cytogenetic location: 14q24.1.
Variant type: single nucleotide variant.
Coding change: c.154G>A on transcript NM_016026.4 (MANE Select); coding-DNA position 154, G replaced by A.
Protein change: p.Gly52Ser; replaces glycine 52 with serine.
Molecular consequence: missense variant.
Genome position (GRCh38, 1-based): chr14:67,692,973, C>T on the plus strand (G>A on the coding strand, the complement: RDH11 is on the minus strand). VCF-style: chr14-67692973-C-T. GRCh37 (hg19) VCF-style: chr14-68159690-C-T.
Other names: c.154G>A, p.Gly52Ser (NM_001252650.2); short protein forms G52S.
Identifiers: ClinVar variation 1717642 (VCV001717642.5), dbSNP rs2503650153, ClinGen allele CA390137209.

ClinVar aggregate classification (germline): Uncertain significance (1 of 4 stars; one submission).

Allele frequency attached by ClinVar (database versions not stated): gnomAD exomes below 0.00001.
gnomAD v4.1: 1 of 1,614,054 alleles (0.000062%); highest among the groups gnomAD compares: Non-Finnish European, 0.000085%; no homozygotes.

Submission:

Labcorp Genetics (formerly Invitae), Labcorp
Classification: Uncertain significance. Last evaluated: 2022-08-22. Review status: criteria provided, single submitter. Criteria: Invitae Variant Classification Sherloc (09022015). Collection method: clinical testing. Allele origin: germline.
Comment: This variant is not present in population databases (gnomAD no frequency). This variant has not been reported in the literature in individuals affected with RDH11-related conditions. Algorithms developed to predict the effect of missense changes on protein structure and function are either unavailable or do not agree on the potential impact of this missense change (SIFT: "Deleterious"; PolyPhen-2: "Probably Damaging"; Align-GVGD: "Class C0"). In summary, the available evidence is currently insufficient to determine the role of this variant in disease. Therefore, it has been classified as a Variant of Uncertain Significance. This sequence change replaces glycine, which is neutral and non-polar, with serine, which is neutral and polar, at codon 52 of the RDH11 protein (p.Gly52Ser).